The following is an entry in ClinVar:

ClinVar aggregate classification (germline): Likely benign. Review status: criteria provided, multiple submitters, no conflicts (2 of 4 stars). 4 submissions from 4 submitters: Likely benign (4). Last evaluated 2026-03-27.

Conditions:
Cardiovascular phenotype. Identifiers: MedGen CN230736.
Myofibrillar myopathy 5. Also called: Filaminopathy (type); FILAMINOPATHY, AUTOSOMAL DOMINANT. Identifiers: Orphanet 171445, MedGen C1836050, MONDO:0012289, OMIM 609524.
Distal myopathy with posterior leg and anterior hand involvement. Also called: WILLIAMS DISTAL MYOPATHY. Identifiers: Orphanet 63273, MedGen C3279722, MONDO:0013550, OMIM 614065.
Hypertrophic cardiomyopathy 26. Also called: Cardiomyopathy, familial hypertrophic, 26. Identifiers: Orphanet 75249, MedGen C4310749, MONDO:0014883, OMIM 617047.

Allele frequency attached by ClinVar (database versions not stated): gnomAD 0.00001; TOPMed 0.00001; ExAC 0.00002.
gnomAD v4.1: 19 of 1,613,890 alleles (0.0012%); highest among the groups gnomAD compares: South Asian, 0.0066%; no homozygotes.

Submissions (4):

Molecular Diagnostic Laboratory for Inherited Cardiovascular Disease, Montreal Heart Institute
Classification: Likely benign. Last evaluated: 2026-03-27. Review status: criteria provided, single submitter. Criteria: ACMG Guidelines, 2015. Collection method: clinical testing. Allele origin: germline. Affected: no.
Comment: BP7

Labcorp Genetics (formerly Invitae), Labcorp
Classification: Likely benign for Distal myopathy with posterior leg and anterior hand involvement; Myofibrillar myopathy 5; Hypertrophic cardiomyopathy 26. Last evaluated: 2026-01-19. Review status: criteria provided, single submitter. Criteria: Invitae Variant Classification Sherloc (09022015). Collection method: clinical testing. Allele origin: germline.

Ambry Genetics
Classification: Likely benign for Cardiovascular phenotype. Last evaluated: 2025-06-10. Review status: criteria provided, single submitter. Criteria: Ambry Variant Classification Scheme 2023. Collection method: clinical testing. Allele origin: germline.

Blueprint Genetics
Classification: Likely benign. Last evaluated: 2021-11-02. Review status: criteria provided, single submitter. Criteria: ACMG Guidelines, 2015. Collection method: clinical testing. Allele origin: germline.

NM_001458.5(FLNC):c.5727C>T (p.Asn1909=)

Genes: FLNC (filamin C; plus strand), FLNC-AS1 (FLNC antisense RNA 1; minus strand). Cytogenetic location: 7q32.1.
Variant type: single nucleotide variant.
Coding change: c.5727C>T on transcript NM_001458.5 (MANE Select); coding-DNA position 5727, C replaced by T.
Protein change: p.Asn1909=; no amino-acid change (asparagine 1909 retained).
Molecular consequence: synonymous variant.
Genome position (GRCh38, 1-based): chr7:128,851,513, C>T. VCF-style: chr7-128851513-C-T. GRCh37 (hg19) VCF-style: chr7-128491567-C-T.
Other names: c.5628C>T, p.Asn1876= (NM_001127487.2); c.5727C>T (NM_001458.4).
Identifiers: ClinVar variation 1130592 (VCV001130592.12), dbSNP rs771291072, ClinGen allele CA4475765.
Genomic context (GRCh38, chr7:128,851,513, plus strand): 5'-AGGGGGTCTGTCACTGGCCGTGGAGGGCCCATCCAAGGCAGAGATCACCTGTAAGGACAA[C>T]AAGGATGGCACCTGCACCGTGTCCTATCTGCCGACTGCGCCTGGAGACTACAGCATCATC-3'
Protein context (NP_001449.3, residues 1899-1919): PSKAEITCKD[Asn1909=]KDGTCTVSYL